The following is an entry in ClinVar:

NM_013382.7(POMT2):c.1210G>A (p.Glu404Lys)

Gene: POMT2 (protein O-mannosyltransferase 2; minus strand). Cytogenetic location: 14q24.3.
Variant type: single nucleotide variant.
Coding change: c.1210G>A on transcript NM_013382.7 (MANE Select); coding-DNA position 1210, G replaced by A.
Protein change: p.Glu404Lys; replaces glutamic acid 404 with lysine.
Molecular consequence: missense variant.
Genome position (GRCh38, 1-based): chr14:77,288,805, C>T on the plus strand (G>A on the coding strand, the complement: POMT2 is on the minus strand). VCF-style: chr14-77288805-C-T. GRCh37 (hg19) VCF-style: chr14-77755148-C-T.
Other names: short protein forms E404K.
Identifiers: ClinVar variation 1054220 (VCV001054220.6), dbSNP rs2140195392, ClinGen allele CA390518422.
Genomic context (GRCh38, chr14:77,288,805, plus strand): 5'-ACTGCAAATTGACTTACTCTTTGTGTTCTAGTCGAATAATGTCTCCATGTCTTACAAACT[C>T]CACTGGGAAGGAAGGGTCTAGGGGATCTGCCAAAAAGAAACAAGCATTGATATCCAAAAT-3'
Protein context (NP_037514.2, residues 394-414): SDPLDPSFPV[Glu404Lys]FVRHGDIIRL

ClinVar aggregate classification (germline): Uncertain significance (1 of 4 stars; one submission).

Conditions:
Muscular dystrophy-dystroglycanopathy (congenital with brain and eye anomalies), type A2. Also called: MUSCULAR DYSTROPHY-DYSTROGLYCANOPATHY (CONGENITAL WITH BRAIN AND EYE ANOMALIES), TYPE A, 2; WALKER-WARBURG SYNDROME OR MUSCLE-EYE-BRAIN DISEASE, POMT2-RELATED. Identifiers: Orphanet 588, Orphanet 899, MedGen C3150411, MONDO:0013154, OMIM 613150.
Muscular dystrophy-dystroglycanopathy (congenital with impaired intellectual development), type B, 2. Also called: MUSCULAR DYSTROPHY, CONGENITAL, POMT2-RELATED; Muscular dystrophy-dystroglycanopathy (congenital with intellectual disability), type B2. Identifiers: MedGen C3150416, MONDO:0013160, OMIM 613156.
Autosomal recessive limb-girdle muscular dystrophy type 2N. Also called: Muscular dystrophy-dystroglycanopathy (limb-girdle), type C, 2; MUSCULAR DYSTROPHY-DYSTROGLYCANOPATHY, LIMB-GIRDLE, POMT2-RELATED. Identifiers: Orphanet 206559, MedGen C3150418, MONDO:0013162, OMIM 613158.

Allele frequency attached by ClinVar (database versions not stated): gnomAD exomes below 0.00001.
gnomAD v4.1: 1 of 1,613,900 alleles (0.000062%); highest among the groups gnomAD compares: Admixed American, 0.0017%; no homozygotes.

Submission:

Labcorp Genetics (formerly Invitae), Labcorp
Classification: Uncertain significance for Muscular dystrophy-dystroglycanopathy (congenital with impaired intellectual development), type B, 2; Muscular dystrophy-dystroglycanopathy (congenital with brain and eye anomalies), type A2; Autosomal recessive limb-girdle muscular dystrophy type 2N. Last evaluated: 2021-08-31. Review status: criteria provided, single submitter. Criteria: Invitae Variant Classification Sherloc (09022015). Collection method: clinical testing. Allele origin: germline.
Comment: This sequence change replaces glutamic acid with lysine at codon 404 of the POMT2 protein (p.Glu404Lys). The glutamic acid residue is highly conserved and there is a small physicochemical difference between glutamic acid and lysine. This variant is not present in population databases (ExAC no frequency). This variant has not been reported in the literature in individuals affected with POMT2-related conditions. Algorithms developed to predict the effect of missense changes on protein structure and function (SIFT, PolyPhen-2, Align-GVGD) all suggest that this variant is likely to be tolerated. In summary, the available evidence is currently insufficient to determine the role of this variant in disease. Therefore, it has been classified as a Variant of Uncertain Significance.